The following is an entry in ClinVar:

NM_152783.5(D2HGDH):c.1262G>A (p.Arg421His)

Gene: D2HGDH (D-2-hydroxyglutarate dehydrogenase; plus strand). Cytogenetic location: 2q37.3.
Variant type: single nucleotide variant.
Coding change: c.1262G>A on transcript NM_152783.5 (MANE Select); coding-DNA position 1262, G replaced by A.
Protein change: p.Arg421His; replaces arginine 421 with histidine.
Molecular consequence: missense variant. On other transcripts: non-coding transcript variant (1).
Genome position (GRCh38, 1-based): chr2:241,755,970, G>A. VCF-style: chr2-241755970-G-A. GRCh37 (hg19) VCF-style: chr2-242695385-G-A.
Other names: p.Arg421His; c.860G>A, p.Arg287His (NM_001287249.2); c.701G>A, p.Arg234His (NM_001352824.2); short protein forms R287H, R421H, R234H.
Identifiers: ClinVar variation 897258 (VCV000897258.9), dbSNP rs139611034, ClinGen allele CA2222141.
Genomic context (GRCh38, chr2:241,755,970, plus strand): 5'-AGTACGACCTCTCCCTCCCTGTGGAGCGGCTCTACGACATCGTGACTGACCTGCGCGCCC[G>A]CCTCGGCCCGCACGCCAAGCACGTGGTGGGCTATGGCCACCTTGGTGAGCGGCGCCCCGG-3'
Protein context (NP_689996.4, residues 411-431): LYDIVTDLRA[Arg421His]LGPHAKHVVG

ClinVar aggregate classification (germline): Uncertain significance. Review status: criteria provided, multiple submitters, no conflicts (2 of 4 stars). 4 submissions from 4 submitters: Uncertain significance (4). Last evaluated 2025-11-13.

Conditions:
D-2-hydroxyglutaric aciduria 1 (D2HGA1). Identifiers: Orphanet 79315, MedGen C3152055, MONDO:0024554, OMIM 600721.
Inborn genetic diseases. Identifiers: MedGen C0950123, MeSH D030342.

Allele frequency attached by ClinVar (database versions not stated): ExAC 0.00008; gnomAD 0.00012 and 0.00014; ESP Exome Variant Server 0.00015; 1000 Genomes Project 30x 0.00016; TOPMed 0.00017; 1000 Genomes Project 0.00020.

Submissions (4):

Ambry Genetics
Classification: Uncertain significance for Inborn genetic diseases. Last evaluated: 2025-11-13. Review status: criteria provided, single submitter. Criteria: Ambry Variant Classification Scheme 2023. Collection method: clinical testing. Allele origin: germline.
Comment: The c.1262G>A (p.R421H) alteration is located in exon 9 (coding exon 8) of the D2HGDH gene. This alteration results from a G to A substitution at nucleotide position 1262, causing the arginine (R) at amino acid position 421 to be replaced by a histidine (H). Based on data from gnomAD, the A allele has an overall frequency of 0.005% (15/279486) total alleles studied. The highest observed frequency was 0.028% (2/7148) of Other alleles. Based on insufficient or conflicting evidence, the clinical significance of this alteration remains unclear.

Labcorp Genetics (formerly Invitae), Labcorp
Classification: Uncertain significance for D-2-hydroxyglutaric aciduria 1. Last evaluated: 2023-10-03. Review status: criteria provided, single submitter. Criteria: Invitae Variant Classification Sherloc (09022015). Collection method: clinical testing. Allele origin: germline.
Comment: This sequence change replaces arginine, which is basic and polar, with histidine, which is basic and polar, at codon 421 of the D2HGDH protein (p.Arg421His). This variant is present in population databases (rs139611034, gnomAD 0.02%). This variant has not been reported in the literature in individuals affected with D2HGDH-related conditions. ClinVar contains an entry for this variant (Variation ID: 897258). Advanced modeling of protein sequence and biophysical properties (such as structural, functional, and spatial information, amino acid conservation, physicochemical variation, residue mobility, and thermodynamic stability) performed at Invitae indicates that this missense variant is not expected to disrupt D2HGDH protein function. Experimental studies are conflicting or provide insufficient evidence to determine the effect of this variant on D2HGDH function (PMID: 26178471, 33431826). In summary, the available evidence is currently insufficient to determine the role of this variant in disease. Therefore, it has been classified as a Variant of Uncertain Significance.

Mayo Clinic Laboratories, Mayo Clinic
Classification: Uncertain significance. Last evaluated: 2023-07-07. Review status: criteria provided, single submitter. Criteria: ACMG Guidelines, 2015. Collection method: clinical testing. Allele origin: germline. Observed: 1 variant allele.
Comment: PM2_moderate

Illumina Laboratory Services, Illumina
Classification: Uncertain significance for D-2-hydroxyglutaric aciduria 1. Last evaluated: 2017-04-28. Review status: criteria provided, single submitter. Criteria: ICSL Variant Classification Criteria 13 December 2019. Collection method: clinical testing. Allele origin: germline.
Comment: This variant was observed as part of a predisposition screen in an ostensibly healthy population. A literature search was performed for the gene, cDNA change, and amino acid change (where applicable). Publications were found based on this search. However, the evidence from the literature, in combination with allele frequency data from public databases where available, was not sufficient to rule this variant in or out of causing disease. Therefore, this variant is classified as a variant of unknown significance.

Literature cited by the submitters: PubMed 26178471 (cited by Labcorp Genetics (formerly Invitae), Labcorp and Illumina Laboratory Services, Illumina); PubMed 33431826 (cited by Labcorp Genetics (formerly Invitae), Labcorp and Mayo Clinic Laboratories, Mayo Clinic).